The following is an entry in ClinVar:

ClinVar aggregate classification (germline): Pathogenic. Review status: criteria provided, multiple submitters, no conflicts (2 of 4 stars). 9 submissions from 9 submitters: Pathogenic (8). 1 of the submissions does not count toward it. Last evaluated 2026-01-27.

Conditions:
Congenital myasthenic syndrome (CMS). Also called: Congenital Myasthenic Syndromes. Identifiers: Orphanet 590, MedGen C0751882, MeSH D020294, MONDO:0018940.
Congenital myasthenic syndrome 5. Identifiers: Orphanet 590, MedGen C1864233, MONDO:0011281, OMIM 603034.
Abnormality of the musculature. Identifiers: MedGen C4021745, HP:0003011.

Submissions (9):

Labcorp Genetics (formerly Invitae), Labcorp
Classification: Pathogenic for Congenital myasthenic syndrome 5. Last evaluated: 2026-01-27. Review status: criteria provided, single submitter. Criteria: Invitae Variant Classification Sherloc (09022015). Collection method: clinical testing. Allele origin: germline.
Comment: This sequence change creates a premature translational stop signal (p.Pro361Leufs*65) in the COLQ gene. While this is not anticipated to result in nonsense mediated decay, it is expected to disrupt the last 95 amino acid(s) of the COLQ protein. This variant is present in population databases (rs769982050, gnomAD 0.02%). This premature translational stop signal has been observed in individuals with congenital myasthenic syndrome (PMID: 9689136, 23371844, 28464723). ClinVar contains an entry for this variant (Variation ID: 6652). This variant disrupts a region of the COLQ protein in which other variant(s) (p.Cys427*) have been determined to be pathogenic (internal data). This suggests that this is a clinically significant region of the protein, and that variants that disrupt it are likely to be disease-causing. For these reasons, this variant has been classified as Pathogenic.

Baylor Genetics
Classification: Pathogenic for Congenital myasthenic syndrome 5. Last evaluated: 2024-03-23. Review status: criteria provided, single submitter. Criteria: ACMG Guidelines, 2015. Collection method: clinical testing. Allele origin: unknown.

Molecular Genetics, Royal Melbourne Hospital
Classification: Pathogenic for Congenital myasthenic syndrome 5. Last evaluated: 2023-06-15. Review status: criteria provided, single submitter. Criteria: ACMG Guidelines, 2015. Collection method: clinical testing. Allele origin: germline. Inheritance: Autosomal recessive inheritance. Affected: yes.
Comment: This sequence change in COLQ is a frameshift variant that may cause a premature stop codon, p.(Pro361Leufs*65), that is predicted to escape nonsense-mediated decay and remove <10% of the protein, however, it is a truncation of a functionally important region (removes amino acids 416-433) in a gene where loss of function is an established disease mechanism (PMID: 9689136). The highest population minor allele frequency in the population database gnomAD v2.1 is 0.017% (6/35,406 alleles) in the Latino/Admixed American population, which is consistent with recessive disease. This variant has been detected in at least 15 individuals with congenital myasthenic syndrome. Of those individuals, 10 were homozygous and five were compound heterozygous for the variant and a pathogenic or likely pathogenic variant and two of those were confirmed in trans by family testing (PMID: 9689136, 10665486, 18180250, 21952943, 22088788, 22678886, 23371844, 29150079). Based on the classification scheme RMH Modified ACMG Guidelines v1.5.1, this variant is classified as PATHOGENIC. Following criteria are met: PM3_VeryStrong, PVS1_Strong, PM2_Supporting.

Women's Health and Genetics/Laboratory Corporation of America, LabCorp
Classification: Pathogenic for Congenital myasthenic syndrome. Last evaluated: 2022-07-15. Review status: criteria provided, single submitter. Criteria: LabCorp Variant Classification Summary - May 2015. Collection method: clinical testing. Allele origin: germline.
Comment: Variant summary: COLQ c.1082delC (p.Pro361LeufsX65) results in a premature termination codon, predicted to cause a truncation of the encoded protein or absence of the protein due to nonsense mediated decay, which are commonly known mechanisms for disease. Truncations downstream of this position have been associated with Endplate acetylcholinesterase deficiency in HGMD and are classified as pathogenic in ClinVar. The variant allele was found at a frequency of 4.8e-05 in 251134 control chromosomes (gnomAD). c.1082delC has been reported in the literature in multiple homozygous and compound heterozygous individuals affected with Congenital Myasthenic Syndrome (examples: Ohno_1998 and Abicht_2012). Additionally, using in-vitro functional studies Ohno et al (1998) demonstrated that this variant affects protein function. These data indicate that the variant is very likely to be associated with disease. Five clinical diagnostic laboratories have submitted clinical-significance assessments for this variant to ClinVar after 2014 and all classified the variant as pathogenic. Based on the evidence outlined above, the variant was classified as pathogenic.

Revvity Omics, Revvity
Classification: Pathogenic for Congenital myasthenic syndrome 5. Last evaluated: 2021-09-05. Review status: criteria provided, single submitter. Criteria: ACMG Guidelines, 2015. Collection method: clinical testing. Allele origin: germline.

Kariminejad - Najmabadi Pathology & Genetics Center
Classification: Pathogenic for Abnormality of the musculature. Last evaluated: 2021-07-10. Review status: criteria provided, single submitter. Criteria: ACMG Guidelines, 2015. Collection method: clinical testing. Allele origin: germline. Affected: yes.

Laboratory for Molecular Medicine, Mass General Brigham Personalized Medicine
Classification: Pathogenic for Congenital myasthenic syndrome. Last evaluated: 2018-01-10. Review status: criteria provided, single submitter. Criteria: LMM Criteria. Collection method: clinical testing. Allele origin: germline. Inheritance: Autosomal recessive inheritance. Observed: 1 variant allele.
Comment: The p.Pro361fs variant in COLQ has been reported in at least 8 individuals (2 co mpound heterozygotes and 6 homozygotes) with clinical features of congenital mya sthenic syndrome (Ohno 1998, Abicht 2012, Arredondo 2014). This variant has been identified in 0.004% (5/126540) of European chromosomes by the Genome Aggregati on Database (gnomAD; dbSNP rs769982050). In vi tro functional studies provide some evidence that the p.Pro361fs variant may imp act protein function (Ohno 1998). This variant is predicted to cause a frameshif t, which alters the protein?s amino acid sequence beginning at position 361 and leads to a premature termination codon 65 amino acids downstream. This alteratio n is then predicted to lead to a truncated or absent protein. In summary, this v ariant meets criteria to be classified as pathogenic for congenital myasthenic s yndrome in an autosomal recessive manner based upon case studies, low frequency in controls, functional evidence, predicted impact on protein. ACMG/AMP Criteria applied: PVS1, PM2, PM3, PS3_P (Richards 2015).

Eurofins Ntd Llc (ga)
Classification: Pathogenic. Last evaluated: 2017-07-10. Review status: criteria provided, single submitter. Criteria: EGL Classification Definitions 2015. Collection method: clinical testing. Allele origin: germline. Observed: 1 variant allele, 1 heterozygote.

OMIM
Classification: Pathogenic for MYASTHENIC SYNDROME, CONGENITAL, 5. Last evaluated: 1998-08-04. Review status: no assertion criteria provided. Collection method: literature only. Allele origin: germline. Not counted in ClinVar's aggregate classification.

Literature cited by the submitters: PubMed 9689136 (cited by 5 submitters); PubMed 23371844 (cited by Labcorp Genetics (formerly Invitae), Labcorp and Molecular Genetics, Royal Melbourne Hospital); PubMed 28464723 (cited by Labcorp Genetics (formerly Invitae), Labcorp); PubMed 10665486 (cited by Molecular Genetics, Royal Melbourne Hospital); PubMed 18180250 (cited by Molecular Genetics, Royal Melbourne Hospital); PubMed 21952943 (cited by Molecular Genetics, Royal Melbourne Hospital); PubMed 22088788 (cited by Molecular Genetics, Royal Melbourne Hospital); PubMed 22678886 (cited by 3 submitters); PubMed 29150079 (cited by Molecular Genetics, Royal Melbourne Hospital); PubMed 24281389 (cited by Laboratory for Molecular Medicine, Mass General Brigham Personalized Medicine).

NM_005677.4(COLQ):c.1082del (p.Pro361fs)

Gene: COLQ (collagen like tail subunit of asymmetric acetylcholinesterase; minus strand). Cytogenetic location: 3p25.1.
Variant type: Deletion.
Coding change: c.1082del on transcript NM_005677.4 (MANE Select); coding-DNA position 1082, one base deleted (C; older notation c.1082delC).
Protein change: p.Pro361fs; shifts the reading frame from proline 361.
Molecular consequence: frameshift variant.
Genome position (GRCh38, 1-based): chr3:15,456,012, G deleted on the plus strand (C on the coding strand, the reverse complement: COLQ is on the minus strand); the first of 4 consecutive G bases (chr3:15,456,012-15,456,015); deleting any one gives the same sequence. VCF-style (leftmost placement, unchanged base first): chr3-15456011-AG-A. GRCh37 (hg19) VCF-style: chr3-15497518-AG-A.
Other names: c.1052del, p.Pro351fs (NM_080538.2); c.980del, p.Pro327fs (NM_080539.4); c.1082delC (NM_005677.3, NM_005677.4); short protein forms P351fs, P361fs, P327fs.
Identifiers: ClinVar variation 6652 (VCV000006652.44), dbSNP rs769982050, ClinGen allele CA2275876.